The following is an entry in ClinVar:

ClinVar aggregate classification (germline): Uncertain significance (1 of 4 stars; one submission).

Conditions:
Charcot-Marie-Tooth disease dominant intermediate B (CMTDIB). Also called: CHARCOT-MARIE-TOOTH NEUROPATHY, DOMINANT INTERMEDIATE B; Charcot-Marie-Tooth disease dominant intermediate 1; CMT DI1; Charcot-Marie-Tooth disease dominant intermediate I. Identifiers: Orphanet 100044, Orphanet 228179, MedGen C1847902, MONDO:0011674, OMIM 606482.

Allele frequency attached by ClinVar (database versions not stated): gnomAD exomes below 0.00001.
gnomAD v4.1: 3 of 1,613,598 alleles (0.00019%); highest among the groups gnomAD compares: Non-Finnish European, 0.00025%; no homozygotes.

Submission:

Labcorp Genetics (formerly Invitae), Labcorp
Classification: Uncertain significance for Charcot-Marie-Tooth disease dominant intermediate B. Last evaluated: 2022-08-06. Review status: criteria provided, single submitter. Criteria: Invitae Variant Classification Sherloc (09022015). Collection method: clinical testing. Allele origin: germline.
Comment: Algorithms developed to predict the effect of missense changes on protein structure and function are either unavailable or do not agree on the potential impact of this missense change (SIFT: "Deleterious"; PolyPhen-2: "Probably Damaging"; Align-GVGD: "Class C15"). This variant has not been reported in the literature in individuals affected with DNM2-related conditions. In summary, the available evidence is currently insufficient to determine the role of this variant in disease. Therefore, it has been classified as a Variant of Uncertain Significance. This variant is not present in population databases (gnomAD no frequency). This sequence change replaces arginine, which is basic and polar, with tryptophan, which is neutral and slightly polar, at codon 601 of the DNM2 protein (p.Arg601Trp).

NM_001005361.3(DNM2):c.1801C>T (p.Arg601Trp)

Gene: DNM2 (dynamin 2; plus strand). Cytogenetic location: 19p13.2.
Variant type: single nucleotide variant.
Coding change: c.1801C>T on transcript NM_001005361.3 (MANE Select); coding-DNA position 1801, C replaced by T.
Protein change: p.Arg601Trp; replaces arginine 601 with tryptophan.
Molecular consequence: missense variant.
Genome position (GRCh38, 1-based): chr19:10,823,807, C>T. VCF-style: chr19-10823807-C-T. GRCh37 (hg19) VCF-style: chr19-10934483-C-T.
Other names: c.1801C>T, p.Arg601Trp (NM_001005360.3, NM_001190716.2); c.1789C>T, p.Arg597Trp (NM_001005362.3, NM_004945.4); short protein forms R601W, R597W.
Identifiers: ClinVar variation 1906994 (VCV001906994.5), dbSNP rs2513348859, ClinGen allele CA404040880.